The following is an entry in ClinVar:

NM_001002755.4(NFU1):c.299C>G (p.Ala100Gly)

Gene: NFU1 (NFU1 iron-sulfur cluster scaffold; minus strand). Cytogenetic location: 2p13.3.
Variant type: single nucleotide variant.
Coding change: c.299C>G on transcript NM_001002755.4 (MANE Select); coding-DNA position 299, C replaced by G.
Protein change: p.Ala100Gly; replaces alanine 100 with glycine.
Molecular consequence: missense variant. On other transcripts: intron variant (1).
Genome position (GRCh38, 1-based): chr2:69,423,585, G>C on the plus strand (C>G on the coding strand, the complement: NFU1 is on the minus strand). VCF-style: chr2-69423585-G-C. GRCh37 (hg19) VCF-style: chr2-69650717-G-C.
Other names: c.227C>G, p.Ala76Gly (NM_001374284.1, NM_015700.4); c.-121-3981C>G (NM_001002756.2); short protein forms A100G, A76G.
Identifiers: ClinVar variation 336891 (VCV000336891.6), dbSNP rs139171264, ClinGen allele CA1694242.

ClinVar aggregate classification (germline): Uncertain significance. Review status: criteria provided, multiple submitters, no conflicts (2 of 4 stars). 2 submissions from 2 submitters: Uncertain significance (2). Last evaluated 2022-01-28.

Conditions:
Multiple mitochondrial dysfunctions syndrome 1 (MMDS1). Identifiers: Orphanet 401869, MedGen C3276432, MONDO:0011582, OMIM 605711.

Allele frequency attached by ClinVar (database versions not stated): ExAC 0.00007; gnomAD 0.00008 and 0.00009; gnomAD exomes 0.00009 and 0.00016; TOPMed 0.00014; ESP Exome Variant Server 0.00023.
gnomAD v4.1: 242 of 1,613,244 alleles (0.015%); highest among the groups gnomAD compares: Non-Finnish European, 0.02%; no homozygotes.

Submissions (2):

Labcorp Genetics (formerly Invitae), Labcorp
Classification: Uncertain significance for Multiple mitochondrial dysfunctions syndrome 1. Last evaluated: 2022-01-28. Review status: criteria provided, single submitter. Criteria: Invitae Variant Classification Sherloc (09022015). Collection method: clinical testing. Allele origin: germline.
Comment: This sequence change replaces alanine, which is neutral and non-polar, with glycine, which is neutral and non-polar, at codon 100 of the NFU1 protein (p.Ala100Gly). This variant is present in population databases (rs139171264, gnomAD 0.02%). This variant has not been reported in the literature in individuals affected with NFU1-related conditions. ClinVar contains an entry for this variant (Variation ID: 336891). Algorithms developed to predict the effect of missense changes on protein structure and function are either unavailable or do not agree on the potential impact of this missense change (SIFT: "Deleterious"; PolyPhen-2: "Benign"; Align-GVGD: "Class C0"). Algorithms developed to predict the effect of sequence changes on RNA splicing suggest that this variant may create or strengthen a splice site. In summary, the available evidence is currently insufficient to determine the role of this variant in disease. Therefore, it has been classified as a Variant of Uncertain Significance.

Illumina Laboratory Services, Illumina
Classification: Uncertain significance for Multiple mitochondrial dysfunctions syndrome 1. Last evaluated: 2018-01-12. Review status: criteria provided, single submitter. Criteria: ICSL Variant Classification Criteria 13 December 2019. Collection method: clinical testing. Allele origin: germline.